The following is an entry in ClinVar:

ClinVar aggregate classification (germline): Likely pathogenic (1 of 4 stars; one submission).

Conditions:
Sponastrime dysplasia. Also called: SPONDYLAR AND NASAL ALTERATIONS WITH STRIATED METAPHYSES. Identifiers: Orphanet 93357, MedGen C1300260, MONDO:0010068, OMIM 271510.

Submission:

Juno Genomics, Hangzhou Juno Genomics, Inc
Classification: Likely pathogenic for Sponastrime dysplasia. Review status: criteria provided, single submitter. Criteria: ACMG Guidelines, 2015. Collection method: clinical testing. Allele origin: germline.
Comment: Null variant in a gene where loss of function (LOF) is a known mechanism of disease.;Absent from controls (or at extremely low frequency if recessive) in Genome Aggregation Database.

NM_013432.5(TONSL):c.2283del (p.Cys762fs)

Genes: TONSL (tonsoku like, DNA repair protein; minus strand), TONSL-AS1 (TONSL antisense RNA 1; plus strand). Cytogenetic location: 8q24.3.
Variant type: Deletion.
Coding change: c.2283del on transcript NM_013432.5 (MANE Select); coding-DNA position 2283, one base deleted (G; older notation c.2283delG).
Protein change: p.Cys762fs; shifts the reading frame from cysteine 762.
Molecular consequence: frameshift variant.
Genome position (GRCh38, 1-based): chr8:144,436,150, C deleted on the plus strand (G on the coding strand, the reverse complement: TONSL is on the minus strand); the first of 2 consecutive C bases (chr8:144,436,150-144,436,151); deleting either gives the same sequence. VCF-style (leftmost placement, unchanged base first): chr8-144436149-AC-A. GRCh37 (hg19) VCF-style: chr8-145661532-AC-A.
Other names: short protein forms C762fs.
Identifiers: ClinVar variation 5007286 (VCV005007286.2).